The following is an entry in ClinVar:

NM_152564.5(VPS13B):c.4730G>T (p.Arg1577Met)

Gene: VPS13B (vacuolar protein sorting 13 homolog B; plus strand). Cytogenetic location: 8q22.2.
Variant type: single nucleotide variant.
Coding change: c.4730G>T on transcript NM_152564.5 (MANE Select); coding-DNA position 4730, G replaced by T.
Protein change: p.Arg1577Met; replaces arginine 1577 with methionine.
Molecular consequence: missense variant.
Genome position (GRCh38, 1-based): chr8:99,520,995, G>T. VCF-style: chr8-99520995-G-T. GRCh37 (hg19) VCF-style: chr8-100533223-G-T.
Other names: c.4805G>T, p.Arg1602Met (NM_017890.5); short protein forms R1577M, R1602M.
Identifiers: ClinVar variation 1714781 (VCV001714781.6), dbSNP rs1563774096, ClinGen allele CA371866582.
Genomic context (GRCh38, chr8:99,520,995, plus strand): 5'-AGATTGGCTCTGTTGCCATGGCTCCCCAGGCTGACAATCCCCTTGGCAGATCTGTCCTTA[G>T]GAAAGATATTTACCAGTAAGTTTATTTTCTTATGTCCAATCTTGCAACAATTTTCATCCT-3'
Protein context (NP_689777.3, residues 1567-1587): ADNPLGRSVL[Arg1577Met]KDIYQRALNL

ClinVar aggregate classification (germline): Uncertain significance. Review status: criteria provided, multiple submitters, no conflicts (2 of 4 stars). 2 submissions from 2 submitters: Uncertain significance (2). Last evaluated 2022-08-02.

Conditions:
Cohen syndrome (COH1). Also called: PEPPER SYNDROME; Cutis verticis gyrata, retinitis pigmentosa, and sensorineural deafness. Identifiers: Orphanet 193, MedGen C0265223, MONDO:0008999, OMIM 216550.

Submissions (2):

Labcorp Genetics (formerly Invitae), Labcorp
Classification: Uncertain significance for Cohen syndrome. Last evaluated: 2022-08-02. Review status: criteria provided, single submitter. Criteria: Invitae Variant Classification Sherloc (09022015). Collection method: clinical testing. Allele origin: germline.
Comment: This sequence change replaces arginine, which is basic and polar, with methionine, which is neutral and non-polar, at codon 1602 of the VPS13B protein (p.Arg1602Met). This variant is not present in population databases (gnomAD no frequency). In summary, the available evidence is currently insufficient to determine the role of this variant in disease. Therefore, it has been classified as a Variant of Uncertain Significance. Algorithms developed to predict the effect of missense changes on protein structure and function are either unavailable or do not agree on the potential impact of this missense change (SIFT: "Not Available"; PolyPhen-2: "Probably Damaging"; Align-GVGD: "Not Available"). This variant has not been reported in the literature in individuals affected with VPS13B-related conditions.

Department of Pathology and Laboratory Medicine, Sinai Health System
Classification: Uncertain significance for Cohen syndrome. Last evaluated: 2021-09-13. Review status: criteria provided, single submitter. Criteria: ACMG Guidelines, 2015. Collection method: research. Allele origin: germline.